The following is an entry in ClinVar:

NM_002968.3(SALL1):c.242del (p.Pro81fs)

Gene: SALL1 (spalt like transcription factor 1; minus strand). Cytogenetic location: 16q12.1.
Variant type: Deletion.
Coding change: c.242del on transcript NM_002968.3 (MANE Select); coding-DNA position 242, one base deleted (C; older notation c.242delC).
Protein change: p.Pro81fs; shifts the reading frame from proline 81.
Molecular consequence: frameshift variant. On other transcripts: 5 prime UTR variant (1).
Genome position (GRCh38, 1-based): chr16:51,141,980, G deleted on the plus strand (C on the coding strand, the reverse complement: SALL1 is on the minus strand); the first of 4 consecutive G bases (chr16:51,141,980-51,141,983); deleting any one gives the same sequence. VCF-style (leftmost placement, unchanged base first): chr16-51141979-TG-T. GRCh37 (hg19) VCF-style: chr16-51175890-TG-T.
Other names: c.-50del (NM_001127892.2); c.242delC (NM_002968.2); short protein forms P81fs.
Identifiers: ClinVar variation 3032778 (VCV003032778.2), dbSNP rs2506498947, ClinGen allele CA2740093331.

ClinVar aggregate classification (germline): Likely pathogenic (0 of 4 stars; one submission).

Conditions:
SALL1-related disorder. Also called: SALL1-related condition.

Submission:

PreventionGenetics, part of Exact Sciences
Classification: Likely pathogenic for SALL1-related condition. Last evaluated: 2024-01-19. Review status: no assertion criteria provided. Collection method: clinical testing. Allele origin: germline.
Comment: The SALL1 c.242delC variant is predicted to result in a frameshift and premature protein termination (p.Pro81Hisfs*18). To our knowledge, this variant has not been reported in the literature or in a large population database, indicating this variant is rare. Frameshift variants in SALL1 are expected to be pathogenic. This variant is interpreted as likely pathogenic.